The following is an entry in ClinVar:

NM_182931.3(KMT2E):c.965A>T (p.Asn322Ile)

Gene: KMT2E (lysine methyltransferase 2E (inactive); plus strand). Cytogenetic location: 7q22.3.
Variant type: single nucleotide variant.
Coding change: c.965A>T on transcript NM_182931.3 (MANE Select); coding-DNA position 965, A replaced by T.
Protein change: p.Asn322Ile; replaces asparagine 322 with isoleucine.
Molecular consequence: missense variant.
Genome position (GRCh38, 1-based): chr7:105,077,159, A>T. VCF-style: chr7-105077159-A-T. GRCh37 (hg19) VCF-style: chr7-104717606-A-T.
Other names: c.965A>T, p.Asn322Ile (NM_001410908.1, NM_018682.4); short protein forms N322I.
Identifiers: ClinVar variation 3289179 (VCV003289179.4).

ClinVar aggregate classification (germline): Conflicting classifications of pathogenicity. Review status: criteria provided, conflicting classifications (1 of 4 stars). 3 submissions from 3 submitters: Uncertain significance (1); Likely benign (2). Last evaluated 2026-03-05.

Conditions:
KMT2E-related disorder. Also called: KMT2E-related condition.
Inborn genetic diseases. Identifiers: MedGen C0950123, MeSH D030342.

gnomAD v4.1: 23 of 1,613,934 alleles (0.0014%); highest among the groups gnomAD compares: Admixed American, 0.035%; no homozygotes.

Submissions (3):

PreventionGenetics, part of Exact Sciences
Classification: Likely benign for KMT2E-related condition. Last evaluated: 2026-03-05. Review status: criteria provided, single submitter. Criteria: ACMG Guidelines, 2015. Collection method: clinical testing. Allele origin: germline.
Comment: This variant is classified as likely benign based on ACMG/AMP sequence variant interpretation guidelines (Richards et al. 2015 PMID: 25741868, with internal and published modifications).

Labcorp Genetics (formerly Invitae), Labcorp
Classification: Uncertain significance. Last evaluated: 2025-03-23. Review status: criteria provided, single submitter. Criteria: Invitae Variant Classification Sherloc (09022015). Collection method: clinical testing. Allele origin: germline.
Comment: This sequence change replaces asparagine, which is neutral and polar, with isoleucine, which is neutral and non-polar, at codon 322 of the KMT2E protein (p.Asn322Ile). This variant is present in population databases (rs747522792, gnomAD 0.04%), and has an allele count higher than expected for a pathogenic variant. This variant has not been reported in the literature in individuals affected with KMT2E-related conditions. ClinVar contains an entry for this variant (Variation ID: 3289179). Invitae Evidence Modeling of protein sequence and biophysical properties (such as structural, functional, and spatial information, amino acid conservation, physicochemical variation, residue mobility, and thermodynamic stability) indicates that this missense variant is not expected to disrupt KMT2E protein function with a negative predictive value of 80%. In summary, the available evidence is currently insufficient to determine the role of this variant in disease. Therefore, it has been classified as a Variant of Uncertain Significance.

Ambry Genetics
Classification: Likely benign for Inborn genetic diseases. Last evaluated: 2024-05-08. Review status: criteria provided, single submitter. Criteria: Ambry Variant Classification Scheme 2023. Collection method: clinical testing. Allele origin: germline.